The following is an entry in ClinVar:

ClinVar aggregate classification (germline): Uncertain significance (1 of 4 stars; one submission).

gnomAD v4.1: 6 of 1,613,866 alleles (0.00037%); highest among the groups gnomAD compares: Non-Finnish European, 0.00042%; no homozygotes.

Submission:

Ambry Genetics
Classification: Uncertain significance. Last evaluated: 2025-01-09. Review status: criteria provided, single submitter. Criteria: Ambry Variant Classification Scheme 2023. Collection method: clinical testing. Allele origin: germline.
Comment: The p.D648Y variant (also known as c.1942G>T), located in coding exon 1 of the TET2 gene, results from a G to T substitution at nucleotide position 1942. The aspartic acid at codon 648 is replaced by tyrosine, an amino acid with highly dissimilar properties. This amino acid position is conserved. In addition, the in silico prediction for this alteration is inconclusive. Based on the available evidence, the clinical significance of this variant remains unclear.

NM_001127208.3(TET2):c.1942G>T (p.Asp648Tyr)

Genes: TET2 (tet methylcytosine dioxygenase 2; plus strand), TET2-AS1 (TET2 antisense RNA 1; minus strand). Cytogenetic location: 4q24.
Variant type: single nucleotide variant.
Coding change: c.1942G>T on transcript NM_001127208.3 (MANE Select); coding-DNA position 1942, G replaced by T.
Protein change: p.Asp648Tyr; replaces aspartic acid 648 with tyrosine.
Molecular consequence: missense variant.
Genome position (GRCh38, 1-based): chr4:105,235,884, G>T. VCF-style: chr4-105235884-G-T. GRCh37 (hg19) VCF-style: chr4-106157041-G-T.
Other names: c.1942G>T, p.Asp648Tyr (NM_017628.4); short protein forms D648Y.
Identifiers: ClinVar variation 3805943 (VCV003805943.1).
Genomic context (GRCh38, chr4:105,235,884, plus strand): 5'-GAGCACAAGTCACAAATGTACCAAGTTGAAATGAATCAAGGGCAGTCCCAAGGTACAGTG[G>T]ACCAACATCTCCAGTTCCAAAAACCCTCACACCAGGTGCACTTCTCCAAAACAGACCATT-3'
Protein context (NP_001120680.1, residues 638-658): MNQGQSQGTV[Asp648Tyr]QHLQFQKPSH